The following is an entry in ClinVar:

ClinVar aggregate classification (germline): Uncertain significance (1 of 4 stars; one submission).

Submission:

Labcorp Genetics (formerly Invitae), Labcorp
Classification: Uncertain significance. Last evaluated: 2024-12-28. Review status: criteria provided, single submitter. Criteria: Invitae Variant Classification Sherloc (09022015). Collection method: clinical testing. Allele origin: germline.
Comment: This sequence change replaces valine, which is neutral and non-polar, with alanine, which is neutral and non-polar, at codon 744 of the ZSWIM6 protein (p.Val744Ala). This variant is not present in population databases (gnomAD no frequency). This variant has not been reported in the literature in individuals affected with ZSWIM6-related conditions. Invitae Evidence Modeling of protein sequence and biophysical properties (such as structural, functional, and spatial information, amino acid conservation, physicochemical variation, residue mobility, and thermodynamic stability) indicates that this missense variant is not expected to disrupt ZSWIM6 protein function with a negative predictive value of 80%. In summary, the available evidence is currently insufficient to determine the role of this variant in disease. Therefore, it has been classified as a Variant of Uncertain Significance.

NM_020928.2(ZSWIM6):c.2231T>C (p.Val744Ala)

Gene: ZSWIM6 (zinc finger SWIM-type containing 6; plus strand). Cytogenetic location: 5q12.1.
Variant type: single nucleotide variant.
Coding change: c.2231T>C on transcript NM_020928.2 (MANE Select); coding-DNA position 2231, T replaced by C.
Protein change: p.Val744Ala; replaces valine 744 with alanine.
Molecular consequence: missense variant.
Genome position (GRCh38, 1-based): chr5:61,531,711, T>C. VCF-style: chr5-61531711-T-C. GRCh37 (hg19) VCF-style: chr5-60827538-T-C.
Other names: short protein forms V744A.
Identifiers: ClinVar variation 3607871 (VCV003607871.2).
Genomic context (GRCh38, chr5:61,531,711, plus strand): 5'-CTAAGCTTCAGGAAATTGAATTGGATGACACACTGGTGAAAATTTTTCGCAAGCAAGCAG[T>C]CTTCCTATTAGAAGGTAGCCTGATACAGAAGTTTTCCACTTATTTAGCCAATTTGACTTA-3'
Protein context (NP_065979.1, residues 734-754): TLVKIFRKQA[Val744Ala]FLLEAGPYSG